The following is an entry in ClinVar:

NM_002691.4(POLD1):c.1006C>A (p.Gln336Lys)

Gene: POLD1 (DNA polymerase delta 1, catalytic subunit; plus strand). Cytogenetic location: 19q13.33.
Variant type: single nucleotide variant.
Coding change: c.1006C>A on transcript NM_002691.4 (MANE Select); coding-DNA position 1006, C replaced by A.
Protein change: p.Gln336Lys; replaces glutamine 336 with lysine.
Molecular consequence: missense variant. On other transcripts: non-coding transcript variant (1).
Genome position (GRCh38, 1-based): chr19:50,403,088, C>A. VCF-style: chr19-50403088-C-A. GRCh37 (hg19) VCF-style: chr19-50906345-C-A.
Other names: c.1006C>A, p.Gln336Lys (NM_001256849.1, NM_001308632.1); short protein forms Q336K.
Identifiers: ClinVar variation 821994 (VCV000821994.5), dbSNP rs1601204144, ClinGen allele CA406977937.

ClinVar aggregate classification (germline): Uncertain significance (1 of 4 stars; one submission).

Conditions:
Hereditary cancer-predisposing syndrome. Also called: Tumor predisposition; Hereditary Cancer Syndrome; Neoplastic Syndromes, Hereditary; Hereditary neoplastic syndrome. Identifiers: Orphanet 140162, MedGen C0027672, MeSH D009386, MONDO:0015356.

Submission:

Ambry Genetics
Classification: Uncertain significance for Hereditary cancer-predisposing syndrome. Last evaluated: 2024-06-20. Review status: criteria provided, single submitter. Criteria: Ambry Variant Classification Scheme 2023. Collection method: clinical testing. Allele origin: germline.
Comment: The p.Q336K variant (also known as c.1006C>A), located in coding exon 8 of the POLD1 gene, results from a C to A substitution at nucleotide position 1006. The glutamine at codon 336 is replaced by lysine, an amino acid with similar properties. This amino acid position is well conserved in available vertebrate species. In addition, the in silico prediction for this alteration is inconclusive. Since supporting evidence is limited at this time, the clinical significance of this alteration remains unclear.